The following is an entry in ClinVar:

ClinVar aggregate classification (germline): Uncertain significance (1 of 4 stars; one submission).

Conditions:
Idiopathic Pulmonary Fibrosis. Also called: Idiopathic fibrosing alveolitis, chronic form; idiopathic fibrosing alveolitis. Identifiers: Orphanet 2032, MedGen C1800706, MeSH D054990, MONDO:0800504.
Dyskeratosis congenita, autosomal dominant 2. Identifiers: MedGen C3151443, MONDO:0013521, OMIM 613989.

Allele frequency attached by ClinVar (database versions not stated): gnomAD exomes below 0.00001; ExAC 0.00001.
gnomAD v4.1: 1 of 1,614,180 alleles (0.000062%); no homozygotes.

Submission:

Labcorp Genetics (formerly Invitae), Labcorp
Classification: Uncertain significance for Dyskeratosis congenita, autosomal dominant 2; Idiopathic Pulmonary Fibrosis. Last evaluated: 2021-06-22. Review status: criteria provided, single submitter. Criteria: Invitae Variant Classification Sherloc (09022015). Collection method: clinical testing. Allele origin: germline.
Comment: This sequence change replaces lysine with glutamic acid at codon 734 of the TERT protein (p.Lys734Glu). The lysine residue is weakly conserved and there is a small physicochemical difference between lysine and glutamic acid. This variant is present in population databases (rs767819088, ExAC 0.001%). This variant has not been reported in the literature in individuals with TERT-related conditions. Advanced modeling of protein sequence and biophysical properties (such as structural, functional, and spatial information, amino acid conservation, physicochemical variation, residue mobility, and thermodynamic stability) performed at Invitae indicates that this missense variant is not expected to disrupt TERT protein function. In summary, the available evidence is currently insufficient to determine the role of this variant in disease. Therefore, it has been classified as a Variant of Uncertain Significance.

NM_198253.3(TERT):c.2200A>G (p.Lys734Glu)

Gene: TERT (telomerase reverse transcriptase; minus strand). Cytogenetic location: 5p15.33.
Variant type: single nucleotide variant.
Coding change: c.2200A>G on transcript NM_198253.3 (MANE Select); coding-DNA position 2200, A replaced by G.
Protein change: p.Lys734Glu; replaces lysine 734 with glutamic acid.
Molecular consequence: missense variant. On other transcripts: non-coding transcript variant (2).
Genome position (GRCh38, 1-based): chr5:1,278,727, T>C on the plus strand (A>G on the coding strand, the complement: TERT is on the minus strand). VCF-style: chr5-1278727-T-C. GRCh37 (hg19) VCF-style: chr5-1278842-T-C.
Other names: c.2200A>G, p.Lys734Glu (NM_001193376.3); short protein forms K734E.
Identifiers: ClinVar variation 1431899 (VCV001431899.8), dbSNP rs767819088, ClinGen allele CA3184627.